The following is an entry in ClinVar:

ClinVar aggregate classification (germline): Conflicting classifications of pathogenicity. Review status: criteria provided, conflicting classifications (1 of 4 stars). 6 submissions from 6 submitters: Uncertain significance (3); Likely benign (3). Last evaluated 2025-11-01.

Conditions:
Autosomal recessive limb-girdle muscular dystrophy type 2J (LGMDR10). Also called: Limb-girdle muscular dystrophy, type 2J; MUSCULAR DYSTROPHY, LIMB-GIRDLE, AUTOSOMAL RECESSIVE 10. Identifiers: Orphanet 140922, MedGen C1837342, MONDO:0012127, OMIM 608807.
Dilated cardiomyopathy 1G (CMD1G). Identifiers: Orphanet 154, MedGen C1858763, MONDO:0011400, OMIM 604145.

Allele frequency attached by ClinVar (database versions not stated): ExAC 0.00004; gnomAD exomes 0.00007; gnomAD 0.00008 and 0.00009; TOPMed 0.00009.
gnomAD v4.1: 141 of 1,614,030 alleles (0.0087%); highest among the groups gnomAD compares: Middle Eastern, 0.033%; no homozygotes.

Submissions (6):

CeGaT Center for Human Genetics Tuebingen
Classification: Likely benign. Last evaluated: 2025-11-01. Review status: criteria provided, single submitter. Criteria: CeGaT Center For Human Genetics Tuebingen Variant Classification Criteria Version 2. Collection method: clinical testing. Allele origin: germline. Affected: yes. Observed: 2 variant alleles.
Comment: TTN: BP4

Blueprint Genetics
Classification: Likely benign. Last evaluated: 2024-09-24. Review status: criteria provided, single submitter. Criteria: ACMG Guidelines, 2015. Collection method: clinical testing. Allele origin: germline.

Revvity Omics, Revvity
Classification: Uncertain significance. Last evaluated: 2021-09-23. Review status: criteria provided, single submitter. Criteria: ACMG Guidelines, 2015. Collection method: clinical testing. Allele origin: germline.

GeneDx
Classification: Likely benign. Last evaluated: 2018-06-07. Review status: criteria provided, single submitter. Criteria: GeneDx Variant Classification (06012015). Collection method: clinical testing. Allele origin: germline. Affected: yes.
Comment: This variant is considered likely benign or benign based on one or more of the following criteria: it is a conservative change, it occurs at a poorly conserved position in the protein, it is predicted to be benign by multiple in silico algorithms, and/or has population frequency not consistent with disease.

Labcorp Genetics (formerly Invitae), Labcorp
Classification: Uncertain significance for Dilated cardiomyopathy 1G; Autosomal recessive limb-girdle muscular dystrophy type 2J. Last evaluated: 2017-10-08. Review status: criteria provided, single submitter. Criteria: Invitae Variant Classification Sherloc (09022015). Collection method: clinical testing. Allele origin: germline.

Eurofins Ntd Llc (ga)
Classification: Uncertain significance. Last evaluated: 2015-09-21. Review status: criteria provided, single submitter. Criteria: EGL Classification Definitions 2015. Collection method: clinical testing. Allele origin: germline. Observed: 1 variant allele, 1 heterozygote.

NM_001267550.2(TTN):c.2611G>T (p.Val871Leu)

Gene: TTN (titin; minus strand). Cytogenetic location: 2q31.2.
Variant type: single nucleotide variant.
Coding change: c.2611G>T on transcript NM_001267550.2 (MANE Select); coding-DNA position 2611, G replaced by T.
Protein change: p.Val871Leu; replaces valine 871 with leucine.
Molecular consequence: missense variant.
Genome position (GRCh38, 1-based): chr2:178,784,234, C>A on the plus strand (G>T on the coding strand, the complement: TTN is on the minus strand). VCF-style: chr2-178784234-C-A. GRCh37 (hg19) VCF-style: chr2-179648961-C-A.
Other names: c.2611G>T, p.Val871Leu (NM_001256850.1, NM_133378.4, NM_133379.5); c.2473G>T, p.Val825Leu (NM_003319.4, NM_133432.3, NM_133437.4); short protein forms V871L, V825L.
Identifiers: ClinVar variation 283320 (VCV000283320.37), dbSNP rs72647861, ClinGen allele CA2005776.